The following is an entry in ClinVar:

NM_152383.5(DIS3L2):c.1177G>T (p.Ala393Ser)

Gene: DIS3L2 (DIS3 like 3'-5' exoribonuclease 2; plus strand). Cytogenetic location: 2q37.1.
Variant type: single nucleotide variant.
Coding change: c.1177G>T on transcript NM_152383.5 (MANE Select); coding-DNA position 1177, G replaced by T.
Protein change: p.Ala393Ser; replaces alanine 393 with serine.
Molecular consequence: missense variant. On other transcripts: non-coding transcript variant (2).
Genome position (GRCh38, 1-based): chr2:232,210,378, G>T. VCF-style: chr2-232210378-G-T. GRCh37 (hg19) VCF-style: chr2-233075088-G-T.
Other names: c.1177G>T, p.Ala393Ser (NM_001257281.2); short protein forms A393S.
Identifiers: ClinVar variation 1429357 (VCV001429357.6), dbSNP rs1202218477, ClinGen allele CA351154083.
Genomic context (GRCh38, chr2:232,210,378, plus strand): 5'-TTTCCTAGAAAAGACTGTATCTTCACCATTGACCCATCAACCGCCCGAGACCTCGATGAT[G>T]CCCTCTCCTGCAAGCCACTCGCTGACGGTAGGATGGAAATTTCTATAGCATCTTGGGTAG-3'
Protein context (NP_689596.4, residues 383-403): DPSTARDLDD[Ala393Ser]LSCKPLADGN

ClinVar aggregate classification (germline): Uncertain significance (1 of 4 stars; one submission).

Conditions:
Perlman syndrome (PRLMNS). Identifiers: Orphanet 2849, MedGen C0796113, MONDO:0009965, OMIM 267000.

Allele frequency attached by ClinVar (database versions not stated): TOPMed below 0.00001; gnomAD 0.00001.
gnomAD v4.1: 4 of 1,613,428 alleles (0.00025%); highest among the groups gnomAD compares: African/African-American, 0.004%; no homozygotes.

Submission:

Labcorp Genetics (formerly Invitae), Labcorp
Classification: Uncertain significance for Perlman syndrome. Last evaluated: 2024-11-06. Review status: criteria provided, single submitter. Criteria: Invitae Variant Classification Sherloc (09022015). Collection method: clinical testing. Allele origin: germline.
Comment: This sequence change replaces alanine, which is neutral and non-polar, with serine, which is neutral and polar, at codon 393 of the DIS3L2 protein (p.Ala393Ser). This variant is not present in population databases (gnomAD no frequency). This variant has not been reported in the literature in individuals affected with DIS3L2-related conditions. ClinVar contains an entry for this variant (Variation ID: 1429357). Invitae Evidence Modeling of protein sequence and biophysical properties (such as structural, functional, and spatial information, amino acid conservation, physicochemical variation, residue mobility, and thermodynamic stability) has been performed for this missense variant. However, the output from this modeling did not meet the statistical confidence thresholds required to predict the impact of this variant on DIS3L2 protein function. In summary, the available evidence is currently insufficient to determine the role of this variant in disease. Therefore, it has been classified as a Variant of Uncertain Significance.